The following is an entry in ClinVar:

ClinVar aggregate classification (germline): Conflicting classifications of pathogenicity. Review status: criteria provided, conflicting classifications (1 of 4 stars). 6 submissions from 6 submitters: Uncertain significance (5); Likely benign (1). Last evaluated 2024-04-10.

Conditions:
Ullrich congenital muscular dystrophy 1A. Also called: Intermediate COL6-RD; Ullrich congenital muscular dystrophy 1. Identifiers: Orphanet 75840, MedGen C0410179, MONDO:0009681, OMIM 254090.
Bethlem myopathy 1A. Also called: Bethlem Muscular Dystrophy; MYOPATHY, BENIGN CONGENITAL, WITH CONTRACTURES; Bethlem myopathy 1. Identifiers: Orphanet 610, MedGen CN029274, MONDO:0024530, OMIM 158810.
Inborn genetic diseases. Identifiers: MedGen C0950123, MeSH D030342.

Allele frequency attached by ClinVar (database versions not stated): gnomAD exomes 0.00001; TOPMed 0.00001; ExAC 0.00002.
gnomAD v4.1: 20 of 1,593,564 alleles (0.0013%); highest among the groups gnomAD compares: Middle Eastern, 0.083%; no homozygotes.

Submissions (6):

Labcorp Genetics (formerly Invitae), Labcorp
Classification: Likely benign for Bethlem myopathy 1A. Last evaluated: 2024-04-10. Review status: criteria provided, single submitter. Criteria: Invitae Variant Classification Sherloc (09022015). Collection method: clinical testing. Allele origin: germline.

Ambry Genetics
Classification: Uncertain significance for Inborn genetic diseases. Last evaluated: 2022-08-02. Review status: criteria provided, single submitter. Criteria: Ambry Variant Classification Scheme 2023. Collection method: clinical testing. Allele origin: germline.

Fulgent Genetics
Classification: Uncertain significance for Bethlem myopathy 1A; Ullrich congenital muscular dystrophy 1A. Last evaluated: 2022-03-24. Review status: criteria provided, single submitter. Criteria: ACMG Guidelines, 2015. Collection method: clinical testing. Allele origin: unknown.

Baylor Genetics
Classification: Uncertain significance for Ullrich congenital muscular dystrophy 1A. Last evaluated: 2019-12-13. Review status: criteria provided, single submitter. Criteria: ACMG Guidelines, 2015. Collection method: clinical testing. Allele origin: unknown. Affected: yes.
Comment: This variant was determined to be of uncertain significance according to ACMG Guidelines, 2015 [PMID:25741868].

Eurofins Ntd Llc (ga)
Classification: Uncertain significance. Last evaluated: 2017-06-14. Review status: criteria provided, single submitter. Criteria: EGL Classification Definitions 2015. Collection method: clinical testing. Allele origin: germline. Observed: 4 variant alleles, 4 heterozygotes.

Mayo Clinic Laboratories, Mayo Clinic
Classification: Uncertain significance for Bethlem myopathy 1A; Ullrich congenital muscular dystrophy 1A. Last evaluated: 2017-03-10. Review status: criteria provided, single submitter. Criteria: ACMG Guidelines, 2015. Collection method: clinical testing. Allele origin: paternal.

NM_001848.3(COL6A1):c.2147C>T (p.Pro716Leu)

Gene: COL6A1 (collagen type VI alpha 1 chain; plus strand). Cytogenetic location: 21q22.3.
Variant type: single nucleotide variant.
Coding change: c.2147C>T on transcript NM_001848.3 (MANE Select); coding-DNA position 2147, C replaced by T.
Protein change: p.Pro716Leu; replaces proline 716 with leucine.
Molecular consequence: missense variant.
Genome position (GRCh38, 1-based): chr21:46,002,298, C>T. VCF-style: chr21-46002298-C-T. GRCh37 (hg19) VCF-style: chr21-47422212-C-T.
Other names: short protein forms P716L.
Identifiers: ClinVar variation 285997 (VCV000285997.14), dbSNP rs755589190, ClinGen allele CA10070780.